The following is an entry in ClinVar:

NM_001363711.2(DUOX2):c.4445C>T (p.Thr1482Met)

Gene: DUOX2 (dual oxidase 2; minus strand). Cytogenetic location: 15q21.1.
Variant type: single nucleotide variant.
Coding change: c.4445C>T on transcript NM_001363711.2 (MANE Select); coding-DNA position 4445, C replaced by T.
Protein change: p.Thr1482Met; replaces threonine 1482 with methionine.
Molecular consequence: missense variant.
Genome position (GRCh38, 1-based): chr15:45,094,642, G>A on the plus strand (C>T on the coding strand, the complement: DUOX2 is on the minus strand). VCF-style: chr15-45094642-G-A. GRCh37 (hg19) VCF-style: chr15-45386840-G-A.
Other names: c.4445C>T, p.Thr1482Met (NM_014080.5); short protein forms T1482M.
Identifiers: ClinVar variation 2078405 (VCV002078405.3), dbSNP rs750546082, ClinGen allele CA7537509.

ClinVar aggregate classification (germline): Uncertain significance (1 of 4 stars; one submission).

Allele frequency attached by ClinVar (database versions not stated): gnomAD 0.00002; ExAC 0.00003; TOPMed 0.00005.

Submission:

Labcorp Genetics (formerly Invitae), Labcorp
Classification: Uncertain significance. Last evaluated: 2025-03-14. Review status: criteria provided, single submitter. Criteria: Invitae Variant Classification Sherloc (09022015). Collection method: clinical testing. Allele origin: germline.
Comment: This sequence change replaces threonine, which is neutral and polar, with methionine, which is neutral and non-polar, at codon 1482 of the DUOX2 protein (p.Thr1482Met). This variant is present in population databases (rs750546082, gnomAD 0.01%). This variant has not been reported in the literature in individuals affected with DUOX2-related conditions. ClinVar contains an entry for this variant (Variation ID: 2078405). Invitae Evidence Modeling of protein sequence and biophysical properties (such as structural, functional, and spatial information, amino acid conservation, physicochemical variation, residue mobility, and thermodynamic stability) indicates that this missense variant is expected to disrupt DUOX2 protein function with a positive predictive value of 95%. In summary, the available evidence is currently insufficient to determine the role of this variant in disease. Therefore, it has been classified as a Variant of Uncertain Significance.